The following is an entry in ClinVar:

ClinVar aggregate classification (germline): Benign/Likely benign. Review status: criteria provided, multiple submitters, no conflicts (2 of 4 stars). 5 submissions from 5 submitters: Benign (2); Likely benign (3). Last evaluated 2026-02-01.

Conditions:
RASopathy. Also called: rasopathies; Noonan spectrum disorder. Identifiers: Orphanet 536391, MedGen C5555857, MONDO:0021060.

Allele frequency attached by ClinVar (database versions not stated): 1000 Genomes Project 0.00020; 1000 Genomes Project 30x 0.00031; TOPMed 0.00044; ESP Exome Variant Server 0.00046.
gnomAD v4.1: 508 of 1,584,718 alleles (0.032%); highest among the groups gnomAD compares: Non-Finnish European, 0.042%; 2 homozygotes.

Submissions (5):

Labcorp Genetics (formerly Invitae), Labcorp
Classification: Likely benign for RASopathy. Last evaluated: 2026-02-01. Review status: criteria provided, single submitter. Criteria: Invitae Variant Classification Sherloc (09022015). Collection method: clinical testing. Allele origin: germline.

Blueprint Genetics
Classification: Likely benign. Last evaluated: 2024-11-27. Review status: criteria provided, single submitter. Criteria: ACMG Guidelines, 2015. Collection method: clinical testing. Allele origin: germline.

ARUP Laboratories, Molecular Genetics and Genomics, ARUP Laboratories
Classification: Likely benign. Last evaluated: 2021-05-06. Review status: criteria provided, single submitter. Criteria: ARUP Molecular Germline Variant Investigation Process 2021. Collection method: clinical testing. Allele origin: germline.

Women's Health and Genetics/Laboratory Corporation of America, LabCorp
Classification: Benign. Last evaluated: 2020-01-13. Review status: criteria provided, single submitter. Criteria: LabCorp Variant Classification Summary - May 2015. Collection method: clinical testing. Allele origin: germline.
Comment: Variant summary: BRAF c.608+19G>C alters a non-conserved nucleotide located close to a canonical splice site and therefore could affect mRNA splicing, leading to a significantly altered protein sequence. 4/4 computational tools predict no significant impact on normal splicing. However, these predictions have yet to be confirmed by functional studies. The variant allele was found at a frequency of 0.00029 in 250358 control chromosomes, predominantly at a frequency of 0.00058 within the Non-Finnish European subpopulation in the gnomAD database. The observed variant frequency within Non-Finnish European control individuals in the gnomAD database is approximately 232-fold the estimated maximal expected allele frequency for a pathogenic variant in BRAF causing Noonan Syndrome and Related Conditions phenotype (2.5e-06), strongly suggesting that the variant is a benign polymorphism found primarily in populations of Non-Finnish European origin. To our knowledge, no occurrence of c.608+19G>C in individuals affected with Noonan Syndrome and Related Conditions and no experimental evidence demonstrating an mpact on protein function have been reported. No clinical diagnostic laboratories have submitted clinical-significance assessments for this variant to ClinVar after 2014. Based on the evidence outlined above, the variant was classified as benign.

GeneDx
Classification: Benign. Last evaluated: 2014-06-17. Review status: criteria provided, single submitter. Criteria: GeneDx Variant Classification (06012015). Collection method: clinical testing. Allele origin: germline. Affected: yes.
Comment: This variant is considered likely benign or benign based on one or more of the following criteria: it is a conservative change, it occurs at a poorly conserved position in the protein, it is predicted to be benign by multiple in silico algorithms, and/or has population frequency not consistent with disease.

NM_004333.6(BRAF):c.608+19G>C

Gene: BRAF (B-Raf proto-oncogene, serine/threonine kinase; minus strand). Cytogenetic location: 7q34.
Variant type: single nucleotide variant.
Coding change: c.608+19G>C on transcript NM_004333.6 (MANE Select); 19 bases into the intron after coding-DNA position 608, G replaced by C.
Molecular consequence: intron variant.
Genome position (GRCh38, 1-based): chr7:140,808,873, C>G on the plus strand (G>C on the coding strand, the complement: BRAF is on the minus strand). VCF-style: chr7-140808873-C-G. GRCh37 (hg19) VCF-style: chr7-140508673-C-G.
Other names: c.608+19G>C (NM_001378474.1, NM_001378471.1, NM_001378468.1 and 4 more transcripts); c.506+19G>C (NM_001378470.1); c.344+19G>C (NM_001378475.1); c.617+10G>C (NM_001378467.1); c.452+19G>C (NM_001378472.1, NM_001378473.1).
Identifiers: ClinVar variation 180779 (VCV000180779.18), dbSNP rs200908826, ClinGen allele CA295897.